The following is an entry in ClinVar:

ClinVar aggregate classification (germline): Pathogenic (1 of 4 stars; one submission).

Conditions:
Inborn genetic diseases. Identifiers: MedGen C0950123, MeSH D030342.

Submission:

Ambry Genetics
Classification: Pathogenic for Inborn genetic diseases. Last evaluated: 2023-12-11. Review status: criteria provided, single submitter. Criteria: Ambry Variant Classification Scheme 2023. Collection method: clinical testing. Allele origin: germline.
Comment: The c.9195_9196delGT (p.F3066Sfs*2) alteration, located in exon 25 (coding exon 25) of the PKD1 gene, consists of a deletion of 2 nucleotides from position 9195 to 9196, causing a translational frameshift with a predicted alternate stop codon after 2 amino acids. This alteration is expected to result in loss of function by premature protein truncation or nonsense-mediated mRNA decay. This variant was not reported in population-based cohorts in the Genome Aggregation Database (gnomAD). Based on the available evidence, this alteration is classified as pathogenic.

NM_001009944.3(PKD1):c.9195_9196del (p.Phe3066fs)

Gene: PKD1 (polycystin 1, transient receptor potential channel interacting; minus strand). Cytogenetic location: 16p13.3.
Variant type: Microsatellite.
Coding change: c.9195_9196del on transcript NM_001009944.3 (MANE Select); coding-DNA positions 9195 to 9196, 2 bases deleted (GT; older notation c.9195_9196delGT).
Protein change: p.Phe3066fs; shifts the reading frame from phenylalanine 3066.
Molecular consequence: frameshift variant.
Genome position (GRCh38, 1-based): chr16:2,102,386-2,102,387, AC deleted on the plus strand (GT on the coding strand, the reverse complement: PKD1 is on the minus strand); deleting any 2 consecutive bases within chr16:2,102,386-2,102,390 gives the same sequence; the c. name uses the placement nearest the transcript's 3' end. VCF-style (leftmost placement, unchanged base first): chr16-2102385-AAC-A. GRCh37 (hg19) VCF-style: chr16-2152386-AAC-A.
Other names: c.9195_9196del, p.Phe3066fs (NM_000296.4); short protein forms F3066fs.
Identifiers: ClinVar variation 3213529 (VCV003213529.1), dbSNP rs2544732273, ClinGen allele CA2631139895.